The following is an entry in ClinVar:

ClinVar aggregate classification (germline): Uncertain significance. Review status: criteria provided, multiple submitters, no conflicts (2 of 4 stars). 2 submissions from 2 submitters: Uncertain significance (2). Last evaluated 2023-06-30.

Conditions:
Cardiovascular phenotype. Identifiers: MedGen CN230736.
Dilated cardiomyopathy 1KK (CMD1KK). Identifiers: Orphanet 154, Orphanet 75249, MedGen C3714995, MONDO:0014100, OMIM 615248.

Allele frequency attached by ClinVar (database versions not stated): TOPMed below 0.00001; ExAC 0.00001; gnomAD 0.00001; gnomAD exomes 0.00001; 1000 Genomes Project 30x 0.00016; 1000 Genomes Project 0.00020.
gnomAD v4.1: 13 of 1,612,924 alleles (0.00081%); highest among the groups gnomAD compares: East Asian, 0.013%; no homozygotes.

Submissions (2):

Ambry Genetics
Classification: Uncertain significance for Cardiovascular phenotype. Last evaluated: 2023-06-30. Review status: criteria provided, single submitter. Criteria: Ambry Variant Classification Scheme 2023. Collection method: clinical testing. Allele origin: germline.

Labcorp Genetics (formerly Invitae), Labcorp
Classification: Uncertain significance for Dilated cardiomyopathy 1KK. Last evaluated: 2022-06-10. Review status: criteria provided, single submitter. Criteria: Invitae Variant Classification Sherloc (09022015). Collection method: clinical testing. Allele origin: germline.
Comment: This sequence change replaces methionine, which is neutral and non-polar, with threonine, which is neutral and polar, at codon 375 of the MYPN protein (p.Met375Thr). This variant is present in population databases (rs557963282, gnomAD 0.0009%). This variant has not been reported in the literature in individuals affected with MYPN-related conditions. Algorithms developed to predict the effect of missense changes on protein structure and function (SIFT, PolyPhen-2, Align-GVGD) all suggest that this variant is likely to be tolerated. In summary, the available evidence is currently insufficient to determine the role of this variant in disease. Therefore, it has been classified as a Variant of Uncertain Significance.

NM_032578.4(MYPN):c.1124T>C (p.Met375Thr)

Gene: MYPN (myopalladin; plus strand). Cytogenetic location: 10q21.3.
Variant type: single nucleotide variant.
Coding change: c.1124T>C on transcript NM_032578.4 (MANE Select); coding-DNA position 1124, T replaced by C.
Protein change: p.Met375Thr; replaces methionine 375 with threonine.
Molecular consequence: missense variant. On other transcripts: non-coding transcript variant (2).
Genome position (GRCh38, 1-based): chr10:68,145,520, T>C. VCF-style: chr10-68145520-T-C. GRCh37 (hg19) VCF-style: chr10-69905277-T-C.
Other names: c.1124T>C, p.Met375Thr (NM_001256267.2); c.242T>C, p.Met81Thr (NM_001256268.2); c.1124T>C (NM_032578.2); short protein forms M375T, M81T.
Identifiers: ClinVar variation 2201592 (VCV002201592.3), dbSNP rs557963282, ClinGen allele CA5522439.
Genomic context (GRCh38, chr10:68,145,520, plus strand): 5'-TTTTTATTTTTCCAGGGGTTTCTTCTTCTGACTCAGAAGGCGACCCTAACAAGGAAGAGA[T>C]GAATCGGTAATTCTGATTTTCTGTCTTATAGCTTTAGCATCCTCAGATCAATTAATAGCT-3'
Protein context (NP_115967.2, residues 365-385): DSEGDPNKEE[Met375Thr]NRIQKPNEVS